The following is an entry in ClinVar:

ClinVar aggregate classification (germline): Uncertain significance (1 of 4 stars; one submission).

Conditions:
Hereditary cancer-predisposing syndrome. Also called: Neoplastic Syndromes, Hereditary; Tumor predisposition; Hereditary neoplastic syndrome; Hereditary Cancer Syndrome. Identifiers: Orphanet 140162, MedGen C0027672, MeSH D009386, MONDO:0015356.

Submission:

Ambry Genetics
Classification: Uncertain significance for Hereditary cancer-predisposing syndrome. Last evaluated: 2026-07-07. Review status: criteria provided, single submitter. Criteria: Ambry Variant Classification Scheme 2023. Collection method: clinical testing. Allele origin: germline.
Comment: The p.L179V variant (also known as c.535C>G), located in coding exon 3 of the TMEM127 gene, results from a C to G substitution at nucleotide position 535. The leucine at codon 179 is replaced by valine, an amino acid with highly similar properties. This amino acid position is conserved. In addition, this alteration is predicted to be deleterious by in silico analysis. Based on the available evidence, the clinical significance of this variant remains unclear.

NM_017849.4(TMEM127):c.535C>G (p.Leu179Val)

Gene: TMEM127 (transmembrane protein 127; minus strand). Cytogenetic location: 2q11.2.
Variant type: single nucleotide variant.
Coding change: c.535C>G on transcript NM_017849.4 (MANE Select); coding-DNA position 535, C replaced by G.
Protein change: p.Leu179Val; replaces leucine 179 with valine.
Molecular consequence: missense variant.
Genome position (GRCh38, 1-based): chr2:96,253,990, G>C on the plus strand (C>G on the coding strand, the complement: TMEM127 is on the minus strand). VCF-style: chr2-96253990-G-C. GRCh37 (hg19) VCF-style: chr2-96919728-G-C.
Other names: c.535C>G, p.Leu179Val (NM_001193304.3); c.283C>G, p.Leu95Val (NM_001407282.1, NM_001407283.1); short protein forms L179V, L95V.
Identifiers: ClinVar variation 5030928 (VCV005030928.1).